The following is an entry in ClinVar:

ClinVar aggregate classification (germline): Uncertain significance (1 of 4 stars; one submission).

Conditions:
Early-infantile DEE. Also called: Ohtahara syndrome; Early infantile epileptic encephalopathy with suppression bursts; Early infantile epileptic encephalopathy. Identifiers: Orphanet 1934, MedGen C0393706, MONDO:0800491.

gnomAD v4.1: 11 of 1,613,820 alleles (0.00068%); highest among the groups gnomAD compares: East Asian, 0.022%; no homozygotes.

Submission:

Labcorp Genetics (formerly Invitae), Labcorp
Classification: Uncertain significance for Early-infantile DEE. Last evaluated: 2024-12-15. Review status: criteria provided, single submitter. Criteria: Invitae Variant Classification Sherloc (09022015). Collection method: clinical testing. Allele origin: germline.
Comment: This sequence change falls in intron 32 of the SPTAN1 gene. It does not directly change the encoded amino acid sequence of the SPTAN1 protein. It affects a nucleotide within the consensus splice site. This variant is not present in population databases (gnomAD no frequency). This variant has not been reported in the literature in individuals affected with SPTAN1-related conditions. Variants that disrupt the consensus splice site are a relatively common cause of aberrant splicing (PMID: 17576681, 9536098). Algorithms developed to predict the effect of sequence changes on RNA splicing suggest that this variant is not likely to affect RNA splicing. In summary, the available evidence is currently insufficient to determine the role of this variant in disease. Therefore, it has been classified as a Variant of Uncertain Significance.

Literature cited by the submitters: PubMed 17576681; PubMed 9536098.

NM_001130438.3(SPTAN1):c.4146+3G>T

Gene: SPTAN1 (spectrin alpha, non-erythrocytic 1; plus strand). Cytogenetic location: 9q34.11.
Variant type: single nucleotide variant.
Coding change: c.4146+3G>T on transcript NM_001130438.3 (MANE Select); 3 bases into the intron after coding-DNA position 4146, G replaced by T.
Molecular consequence: intron variant.
Genome position (GRCh38, 1-based): chr9:128,607,706, G>T. VCF-style: chr9-128607706-G-T. GRCh37 (hg19) VCF-style: chr9-131369985-G-T.
Other names: c.4182+3G>T (NM_001375318.1, NM_001375312.2); c.4146+3G>T (NM_001375311.2, NM_001375310.1, NM_001363759.2 and 2 more transcripts); c.4086+3G>T (NM_001375314.2, NM_001363765.2, NM_001195532.2).
Identifiers: ClinVar variation 3678087 (VCV003678087.2).